The following is an entry in ClinVar:

ClinVar aggregate classification (germline): Uncertain significance (1 of 4 stars; one submission).

Conditions:
CHARGE syndrome (CHARGE). Also called: Hittner Hirsch Kreh syndrome; CHARGE ASSOCIATION--COLOBOMA, HEART ANOMALY, CHOANAL ATRESIA, RETARDATION, GENITAL AND EAR ANOMALIES; Coloboma, heart anomaly, choanal atresia, retardation, genital and ear anomalies; CHARGE association; Hall-Hittner syndrome. Identifiers: Orphanet 138, MedGen C0265354, MONDO:0008965.

Submission:

Labcorp Genetics (formerly Invitae), Labcorp
Classification: Uncertain significance for CHARGE syndrome. Last evaluated: 2023-04-03. Review status: criteria provided, single submitter. Criteria: Invitae Variant Classification Sherloc (09022015). Collection method: clinical testing. Allele origin: germline.
Comment: In summary, the available evidence is currently insufficient to determine the role of this variant in disease. Therefore, it has been classified as a Variant of Uncertain Significance. Advanced modeling of protein sequence and biophysical properties (such as structural, functional, and spatial information, amino acid conservation, physicochemical variation, residue mobility, and thermodynamic stability) performed at Invitae indicates that this missense variant is not expected to disrupt CHD7 protein function. This variant has not been reported in the literature in individuals affected with CHD7-related conditions. This variant is not present in population databases (gnomAD no frequency). This sequence change replaces glutamic acid, which is acidic and polar, with glycine, which is neutral and non-polar, at codon 2837 of the CHD7 protein (p.Glu2837Gly).

NM_017780.4(CHD7):c.8510A>G (p.Glu2837Gly)

Gene: CHD7 (chromodomain helicase DNA binding protein 7; plus strand). Cytogenetic location: 8q12.2.
Variant type: single nucleotide variant.
Coding change: c.8510A>G on transcript NM_017780.4 (MANE Select); coding-DNA position 8510, A replaced by G.
Protein change: p.Glu2837Gly; replaces glutamic acid 2837 with glycine.
Molecular consequence: missense variant.
Genome position (GRCh38, 1-based): chr8:60,865,449, A>G. VCF-style: chr8-60865449-A-G. GRCh37 (hg19) VCF-style: chr8-61778008-A-G.
Other names: c.2363A>G, p.Glu788Gly (NM_001316690.1); short protein forms E2837G, E788G.
Identifiers: ClinVar variation 2791199 (VCV002791199.3), dbSNP rs936491862, ClinGen allele CA177329643.
Genomic context (GRCh38, chr8:60,865,449, plus strand): 5'-ATAACCCTCTGTCAGCTGCTACTGGAAACACCACTACTGCTTCTAGTCAAGGAGAACCGG[A>G]AGACAGCACTTCAAAAGGAGAGGAGAAAGGAAATGAGAATGAAGACGAGAACAAAGACTC-3'
Protein context (NP_060250.2, residues 2827-2847): TTTASSQGEP[Glu2837Gly]DSTSKGEEKG